The following is an entry in ClinVar:

ClinVar aggregate classification (germline): Uncertain significance (1 of 4 stars; one submission).

Conditions:
Hepatic methionine adenosyltransferase deficiency. Also called: Deficiency of methionine adenosyltransferase; Isolated Persistent Hypermethioninemia; MAT I/III DEFICIENCY; Methionine adenosyltransferase deficiency. Identifiers: Orphanet 168598, MedGen C0268621, MeSH C564683, MONDO:0009607, OMIM 250850.

Submission:

Labcorp Genetics (formerly Invitae), Labcorp
Classification: Uncertain significance for Hepatic methionine adenosyltransferase deficiency. Last evaluated: 2017-11-04. Review status: criteria provided, single submitter. Criteria: Invitae Variant Classification Sherloc (09022015). Collection method: clinical testing. Allele origin: germline.
Comment: This sequence change replaces histidine with leucine at codon 209 of the MAT1A protein (p.His209Leu). The histidine residue is highly conserved and there is a moderate physicochemical difference between histidine and leucine. This variant is not present in population databases (ExAC no frequency). This variant has not been reported in the literature in individuals with MAT1A-related disease. Algorithms developed to predict the effect of missense changes on protein structure and function (SIFT, PolyPhen-2, Align-GVGD) all suggest that this variant is likely to be disruptive, but these predictions have not been confirmed by published functional studies and their clinical significance is uncertain. In summary, the available evidence is currently insufficient to determine the role of this variant in disease. Therefore, it has been classified as a Variant of Uncertain Significance.

NM_000429.3(MAT1A):c.626A>T (p.His209Leu)

Gene: MAT1A (methionine adenosyltransferase 1A; minus strand). Cytogenetic location: 10q22.3.
Variant type: single nucleotide variant.
Coding change: c.626A>T on transcript NM_000429.3 (MANE Select); coding-DNA position 626, A replaced by T.
Protein change: p.His209Leu; replaces histidine 209 with leucine.
Molecular consequence: missense variant.
Genome position (GRCh38, 1-based): chr10:80,276,518, T>A on the plus strand (A>T on the coding strand, the complement: MAT1A is on the minus strand). VCF-style: chr10-80276518-T-A. GRCh37 (hg19) VCF-style: chr10-82036274-T-A.
Other names: short protein forms H209L.
Identifiers: ClinVar variation 529461 (VCV000529461.9), dbSNP rs1554840780, ClinGen allele CA377362182.